The following is an entry in ClinVar:

NM_001040142.2(SCN2A):c.3356C>T (p.Thr1119Ile)

Gene: SCN2A (sodium voltage-gated channel alpha subunit 2; plus strand). Cytogenetic location: 2q24.3.
Variant type: single nucleotide variant.
Coding change: c.3356C>T on transcript NM_001040142.2 (MANE Select); coding-DNA position 3356, C replaced by T.
Protein change: p.Thr1119Ile; replaces threonine 1119 with isoleucine.
Molecular consequence: missense variant.
Genome position (GRCh38, 1-based): chr2:165,354,628, C>T. VCF-style: chr2-165354628-C-T. GRCh37 (hg19) VCF-style: chr2-166211138-C-T.
Other names: c.3356C>T, p.Thr1119Ile (NM_001040143.2, NM_001371246.1, NM_001371247.1 and 1 more transcripts); short protein forms T1119I.
Identifiers: ClinVar variation 1367312 (VCV001367312.41), dbSNP rs756738916, ClinGen allele CA318190.
Genomic context (GRCh38, chr2:165,354,628, plus strand): 5'-CTAGCCTCACTGTGACAGTACCAATTGCTGTTGGAGAATCTGACTTTGAAAATTTAAATA[C>T]TGAAGAATTCAGCAGCGAGTCAGATATGGAGGAAAGCAAAGAGGTAAAAATGTTTAAATA-3'
Protein context (NP_001035232.1, residues 1109-1129): VGESDFENLN[Thr1119Ile]EEFSSESDME

ClinVar aggregate classification (germline): Uncertain significance. Review status: criteria provided, multiple submitters, no conflicts (2 of 4 stars). 3 submissions from 3 submitters: Uncertain significance (3). Last evaluated 2026-08-01.

Conditions:
Developmental and epileptic encephalopathy, 11 (DEE11). Also called: Early infantile epileptic encephalopathy 11. Identifiers: Orphanet 1934, MedGen C3150987, MONDO:0013388, OMIM 613721.
Seizures, benign familial infantile, 3 (BFIS3). Also called: CONVULSIONS, BENIGN FAMILIAL INFANTILE, 3; Familial neonatal seizures. Identifiers: Orphanet 140927, Orphanet 306, MedGen C1843140, MONDO:0011904, OMIM 607745.

Allele frequency attached by ClinVar (database versions not stated): gnomAD exomes 0.00001 and 0.00003; TOPMed below 0.00001; ExAC 0.00001; gnomAD 0.00001.
gnomAD v4.1: 44 of 1,613,644 alleles (0.0027%); highest among the groups gnomAD compares: Non-Finnish European, 0.0034%; no homozygotes.

Submissions (3):

CeGaT Center for Human Genetics Tuebingen
Classification: Uncertain significance. Last evaluated: 2026-08-01. Review status: criteria provided, single submitter. Criteria: CeGaT Center For Human Genetics Tuebingen Variant Classification Criteria Version 2. Collection method: clinical testing. Allele origin: germline. Affected: yes. Observed: 6 variant alleles.
Comment: SCN2A: PP3

Labcorp Genetics (formerly Invitae), Labcorp
Classification: Uncertain significance for Seizures, benign familial infantile, 3; Developmental and epileptic encephalopathy, 11. Last evaluated: 2025-08-21. Review status: criteria provided, single submitter. Criteria: Invitae Variant Classification Sherloc (09022015). Collection method: clinical testing. Allele origin: germline.
Comment: This sequence change replaces threonine, which is neutral and polar, with isoleucine, which is neutral and non-polar, at codon 1119 of the SCN2A protein (p.Thr1119Ile). This variant is present in population databases (rs756738916, gnomAD 0.003%). This variant has not been reported in the literature in individuals affected with SCN2A-related conditions. ClinVar contains an entry for this variant (Variation ID: 1367312). Invitae Evidence Modeling of protein sequence and biophysical properties (such as structural, functional, and spatial information, amino acid conservation, physicochemical variation, residue mobility, and thermodynamic stability) has been performed for this missense variant. However, the output from this modeling did not meet the statistical confidence thresholds required to predict the impact of this variant on SCN2A protein function. In summary, the available evidence is currently insufficient to determine the role of this variant in disease. Therefore, it has been classified as a Variant of Uncertain Significance.

MGZ Medical Genetics Center
Classification: Uncertain significance for Developmental and epileptic encephalopathy, 11. Last evaluated: 2021-09-06. Review status: criteria provided, single submitter. Criteria: ACMG Guidelines, 2015. Collection method: clinical testing. Allele origin: germline. Affected: yes. Observed: 1 variant allele.
Comment: ACMG criteria applied: PM2_SUP, PP3